The following is an entry in ClinVar:

NM_000059.4(BRCA2):c.6383A>C (p.Lys2128Thr)

Gene: BRCA2 (BRCA2 DNA repair associated; plus strand). Cytogenetic location: 13q13.1.
Variant type: single nucleotide variant.
Coding change: c.6383A>C on transcript NM_000059.4 (MANE Select); coding-DNA position 6383, A replaced by C.
Protein change: p.Lys2128Thr; replaces lysine 2128 with threonine.
Molecular consequence: missense variant.
Genome position (GRCh38, 1-based): chr13:32,340,738, A>C. VCF-style: chr13-32340738-A-C. GRCh37 (hg19) VCF-style: chr13-32914875-A-C.
Other names: 6611A>C; short protein forms K2128T.
Identifiers: ClinVar variation 91446 (VCV000091446.15), dbSNP rs398122554, ClinGen allele CA023967.

ClinVar aggregate classification (germline): Conflicting classifications of pathogenicity. Review status: criteria provided, conflicting classifications (1 of 4 stars). 6 submissions from 6 submitters: Uncertain significance (4); Likely benign (1). 1 of the submissions does not count toward it. Last evaluated 2024-11-07.

Conditions:
Hereditary cancer-predisposing syndrome. Also called: Tumor predisposition; Hereditary Cancer Syndrome; Neoplastic Syndromes, Hereditary; Hereditary neoplastic syndrome. Identifiers: Orphanet 140162, MedGen C0027672, MeSH D009386, MONDO:0015356.
Hereditary breast ovarian cancer syndrome. Also called: Breast and ovarian cancer; Hereditary breast and ovarian cancer; Hereditary breast and ovarian cancer syndrome; BRCA1- and BRCA2-Associated Hereditary Breast and Ovarian Cancer; Hereditary breast and ovarian cancer syndrome (HBOC); Hereditary breast and/or ovarian cancer syndrome. Identifiers: Orphanet 145, MedGen C0677776, MeSH D061325, MONDO:0003582. Disease mechanism: loss of function.
Breast-ovarian cancer, familial, susceptibility to, 2 (BROVCA2). Also called: BRCA2 Hereditary Breast and Ovarian Cancer. Identifiers: Orphanet 145, MedGen C2675520, MONDO:0012933, OMIM 612555. Disease mechanism: loss of function.

Allele frequency attached by ClinVar (database versions not stated): gnomAD exomes below 0.00001 and 0.00001.
gnomAD v4.1: 15 of 1,606,408 alleles (0.00093%); highest among the groups gnomAD compares: Non-Finnish European, 0.0013%; no homozygotes.

Submissions (6):

Labcorp Genetics (formerly Invitae), Labcorp
Classification: Uncertain significance for Hereditary breast ovarian cancer syndrome. Last evaluated: 2024-11-07. Review status: criteria provided, single submitter. Criteria: Invitae Variant Classification Sherloc (09022015). Collection method: clinical testing. Allele origin: germline.
Comment: This sequence change replaces lysine, which is basic and polar, with threonine, which is neutral and polar, at codon 2128 of the BRCA2 protein (p.Lys2128Thr). This variant is present in population databases (rs398122554, gnomAD 0.0009%). This variant has not been reported in the literature in individuals affected with BRCA2-related conditions. ClinVar contains an entry for this variant (Variation ID: 91446). Invitae Evidence Modeling of protein sequence and biophysical properties (such as structural, functional, and spatial information, amino acid conservation, physicochemical variation, residue mobility, and thermodynamic stability) indicates that this missense variant is not expected to disrupt BRCA2 protein function with a negative predictive value of 95%. In summary, the available evidence is currently insufficient to determine the role of this variant in disease. Therefore, it has been classified as a Variant of Uncertain Significance.

Ambry Genetics
Classification: Uncertain significance for Hereditary cancer-predisposing syndrome. Last evaluated: 2024-07-07. Review status: criteria provided, single submitter. Criteria: Ambry Variant Classification Scheme 2023. Collection method: clinical testing. Allele origin: germline.
Comment: The p.K2128T variant (also known as c.6383A>C), located in coding exon 10 of the BRCA2 gene, results from an A to C substitution at nucleotide position 6383. The lysine at codon 2128 is replaced by threonine, an amino acid with similar properties. This amino acid position is not well conserved in available vertebrate species. In addition, this alteration is predicted to be tolerated by in silico analysis. Since supporting evidence is limited at this time, the clinical significance of this alteration remains unclear.

University of Washington Department of Laboratory Medicine, University of Washington
Classification: Likely benign for Hereditary cancer-predisposing syndrome. Last evaluated: 2023-03-23. Review status: criteria provided, single submitter. Criteria: Dines et al. (Genet Med. 2020). Collection method: curation. Allele origin: germline.
Comment: Missense variant in a coldspot region where missense variants are very unlikely to be pathogenic (PMID:31911673).

BRCA2 exon 11 coldspot. Reclassification based on statistical prior probability.

Quest Diagnostics Nichols Institute San Juan Capistrano
Classification: Uncertain significance. Last evaluated: 2021-07-29. Review status: criteria provided, single submitter. Criteria: Quest Diagnostics criteria. Collection method: clinical testing. Allele origin: unknown.

Color Diagnostics, LLC DBA Color Health
Classification: Uncertain significance for Hereditary cancer-predisposing syndrome. Last evaluated: 2019-05-23. Review status: criteria provided, single submitter. Criteria: ACMG Guidelines, 2015. Collection method: clinical testing. Allele origin: germline.

Sharing Clinical Reports Project (SCRP)
Classification: Uncertain significance for Breast-ovarian cancer, familial 2. Last evaluated: 2012-02-27. Review status: no assertion criteria provided. Collection method: clinical testing. Allele origin: germline. Not counted in ClinVar's aggregate classification.

Literature cited by the submitters: PubMed 33471991 (cited by Quest Diagnostics Nichols Institute San Juan Capistrano).